The following is an entry in ClinVar:

ClinVar aggregate classification (germline): Uncertain significance (1 of 4 stars; one submission).

Submission:

Labcorp Genetics (formerly Invitae), Labcorp
Classification: Uncertain significance. Last evaluated: 2022-07-20. Review status: criteria provided, single submitter. Criteria: Invitae Variant Classification Sherloc (09022015). Collection method: clinical testing. Allele origin: germline.
Comment: This sequence change replaces valine, which is neutral and non-polar, with leucine, which is neutral and non-polar, at codon 760 of the COL7A1 protein (p.Val760Leu). This variant is not present in population databases (gnomAD no frequency). This variant has not been reported in the literature in individuals affected with COL7A1-related conditions. Advanced modeling of protein sequence and biophysical properties (such as structural, functional, and spatial information, amino acid conservation, physicochemical variation, residue mobility, and thermodynamic stability) performed at Invitae indicates that this missense variant is not expected to disrupt COL7A1 protein function. In summary, the available evidence is currently insufficient to determine the role of this variant in disease. Therefore, it has been classified as a Variant of Uncertain Significance.

NM_000094.4(COL7A1):c.2278G>T (p.Val760Leu)

Gene: COL7A1 (collagen type VII alpha 1 chain; minus strand). Cytogenetic location: 3p21.31.
Variant type: single nucleotide variant.
Coding change: c.2278G>T on transcript NM_000094.4 (MANE Select); coding-DNA position 2278, G replaced by T.
Protein change: p.Val760Leu; replaces valine 760 with leucine.
Molecular consequence: missense variant.
Genome position (GRCh38, 1-based): chr3:48,589,363, C>A on the plus strand (G>T on the coding strand, the complement: COL7A1 is on the minus strand). VCF-style: chr3-48589363-C-A. GRCh37 (hg19) VCF-style: chr3-48626796-C-A.
Other names: short protein forms V760L.
Identifiers: ClinVar variation 2096872 (VCV002096872.4), dbSNP rs747563707, ClinGen allele CA352723889.